The following is an entry in ClinVar:

NM_000821.7(GGCX):c.91G>A (p.Asp31Asn)

Gene: GGCX (gamma-glutamyl carboxylase; minus strand). Cytogenetic location: 2p11.2.
Variant type: single nucleotide variant.
Coding change: c.91G>A on transcript NM_000821.7 (MANE Select); coding-DNA position 91, G replaced by A.
Protein change: p.Asp31Asn; replaces aspartic acid 31 with asparagine.
Molecular consequence: missense variant. On other transcripts: intron variant (1).
Genome position (GRCh38, 1-based): chr2:85,560,938, C>T on the plus strand (G>A on the coding strand, the complement: GGCX is on the minus strand). VCF-style: chr2-85560938-C-T. GRCh37 (hg19) VCF-style: chr2-85788061-C-T.
Other names: c.91G>A (NM_000821.6); c.91G>A, p.Asp31Asn (NM_001311312.3); c.43+448G>A (NM_001142269.4); short protein forms D31N.
Identifiers: ClinVar variation 896544 (VCV000896544.12), dbSNP rs74843621, ClinGen allele CA1742219.
Genomic context (GRCh38, chr2:85,560,938, plus strand): 5'-GCCTCCGCCAACTGGACAAATCTGTCCACTCAAAACCCAAGAGTTTCCCTATTCGGCTGT[C>T]CTGCCTGGGCCCTGAGATCAGTTCAGCCTTGTCTTTCTGTACTTTATCTGCAATCAATAA-3'
Protein context (NP_000812.2, residues 21-41): KAELISGPRQ[Asp31Asn]SRIGKLLGFE

ClinVar aggregate classification (germline): Benign/Likely benign. Review status: criteria provided, multiple submitters, no conflicts (2 of 4 stars). 4 submissions from 4 submitters: Benign (3); Likely benign (1). Last evaluated 2026-02-02.

Conditions:
GGCX-related disorder. Also called: GGCX-related condition; GGCX - Related Disorders.
Vitamin K-dependent clotting factors, combined deficiency of, type 1. Also called: FACTORS II, VII, IX, AND X, COMBINED DEFICIENCY OF; FAMILIAL MULTIPLE COAGULATION FACTOR DEFICIENCY III; FMFD III; GLUTAMIC ACID, DEFICIENT GAMMA-CARBOXYLATION OF; MULTIPLE COAGULATION FACTOR DEFICIENCY III; VITAMIN K-DEPENDENT COAGULATION DEFECT. Identifiers: Orphanet 98434, MedGen C1848534, MONDO:0010187, OMIM 277450.

Allele frequency attached by ClinVar (database versions not stated): gnomAD exomes 0.00011 and 0.00029; ExAC 0.00034; gnomAD 0.00120 and 0.00126; TOPMed 0.00124; ESP Exome Variant Server 0.00138; 1000 Genomes Project 0.00140; 1000 Genomes Project 30x 0.00156.
gnomAD v4.1: 346 of 1,614,062 alleles (0.021%); highest among the groups gnomAD compares: African/African-American, 0.41%; no homozygotes.

Submissions (4):

Labcorp Genetics (formerly Invitae), Labcorp
Classification: Benign. Last evaluated: 2026-02-02. Review status: criteria provided, single submitter. Criteria: Invitae Variant Classification Sherloc (09022015). Collection method: clinical testing. Allele origin: germline.

PreventionGenetics, part of Exact Sciences
Classification: Likely benign for GGCX-related condition. Last evaluated: 2024-10-21. Review status: criteria provided, single submitter. Criteria: ACMG Guidelines, 2015. Collection method: clinical testing. Allele origin: germline.
Comment: This variant is classified as likely benign based on ACMG/AMP sequence variant interpretation guidelines (Richards et al. 2015 PMID: 25741868, with internal and published modifications).

Illumina Laboratory Services, Illumina
Classification: Benign for Vitamin K-dependent clotting factors, combined deficiency of, type 1. Last evaluated: 2017-09-28. Review status: criteria provided, single submitter. Criteria: ICSL Variant Classification Criteria 13 December 2019. Collection method: clinical testing. Allele origin: germline.
Comment: This variant was observed as part of a predisposition screen in an ostensibly healthy population. A literature search was performed for the gene, cDNA change, and amino acid change (where applicable). Publications were found based on this search. The evidence from the literature, in combination with allele frequency data from public databases where available, was sufficient to rule this variant out of causing disease. Therefore, this variant is classified as benign.

Breakthrough Genomics
Classification: Benign. Review status: criteria provided, single submitter. Criteria: ACMG Guidelines, 2015. Collection method: not provided. Allele origin: germline. Inheritance: Autosomal recessive inheritance. Affected: yes.

Literature cited by the submitters: PubMed 16720838 (cited by Illumina Laboratory Services, Illumina).